The following is an entry in ClinVar:

ClinVar aggregate classification (germline): Uncertain significance. Review status: criteria provided, multiple submitters, no conflicts (2 of 4 stars). 2 submissions from 2 submitters: Uncertain significance (2). Last evaluated 2022-11-10.

Conditions:
RALA-related disorder. Also called: RALA-related condition.

Submissions (2):

PreventionGenetics, part of Exact Sciences
Classification: Uncertain significance for RALA-related condition. Last evaluated: 2022-11-10. Review status: criteria provided, single submitter. Criteria: ACMG Guidelines, 2015. Collection method: clinical testing. Allele origin: germline.
Comment: The RALA c.302T>C variant is predicted to result in the amino acid substitution p.Phe101Ser. To our knowledge, this variant has not been reported in the literature or in a large population database, indicating this variant is rare. At this time, the clinical significance of this variant is uncertain due to the absence of conclusive functional and genetic evidence.

Labcorp Genetics (formerly Invitae), Labcorp
Classification: Uncertain significance. Last evaluated: 2021-02-03. Review status: criteria provided, single submitter. Criteria: Invitae Variant Classification Sherloc (09022015). Collection method: clinical testing. Allele origin: germline.
Comment: This sequence change replaces phenylalanine with serine at codon 101 of the RALA protein (p.Phe101Ser). The phenylalanine residue is highly conserved and there is a large physicochemical difference between phenylalanine and serine. This variant is not present in population databases (ExAC no frequency). In summary, the available evidence is currently insufficient to determine the role of this variant in disease. Therefore, it has been classified as a Variant of Uncertain Significance. This variant has not been reported in the literature in individuals with RALA-related conditions. Advanced modeling of protein sequence and biophysical properties (such as structural, functional, and spatial information, amino acid conservation, physicochemical variation, residue mobility, and thermodynamic stability) performed at Invitae indicates that this missense variant is expected to disrupt RALA protein function.

NM_005402.4(RALA):c.302T>C (p.Phe101Ser)

Gene: RALA (RAS like proto-oncogene A; plus strand). Cytogenetic location: 7p14.1.
Variant type: single nucleotide variant.
Coding change: c.302T>C on transcript NM_005402.4 (MANE Select); coding-DNA position 302, T replaced by C.
Protein change: p.Phe101Ser; replaces phenylalanine 101 with serine.
Molecular consequence: missense variant.
Genome position (GRCh38, 1-based): chr7:39,690,569, T>C. VCF-style: chr7-39690569-T-C. GRCh37 (hg19) VCF-style: chr7-39730168-T-C.
Other names: c.302T>C (NM_005402.3); short protein forms F101S.
Identifiers: ClinVar variation 1507572 (VCV001507572.8), dbSNP rs1053085090, ClinGen allele CA367305389.